The following is an entry in ClinVar:

NM_007294.4(BRCA1):c.2297_2298del (p.Ser766fs)

Gene: BRCA1 (BRCA1 DNA repair associated; minus strand). Cytogenetic location: 17q21.31.
Variant type: Deletion.
Coding change: c.2297_2298del on transcript NM_007294.4 (MANE Select); coding-DNA positions 2297 to 2298, 2 bases deleted (GT; older notation c.2297_2298delGT).
Protein change: p.Ser766fs; shifts the reading frame from serine 766.
Molecular consequence: frameshift variant. On other transcripts: intron variant (137).
Genome position (GRCh38, 1-based): chr17:43,093,233-43,093,234, AC deleted on the plus strand (GT on the coding strand, the reverse complement: BRCA1 is on the minus strand). VCF-style (leftmost placement, unchanged base first): chr17-43093232-TAC-T. GRCh37 (hg19) VCF-style: chr17-41245249-TAC-T.
Other names: c.664+1510_664+1511del (NM_001408425.1, NM_001408436.1, NM_001408444.1 and 12 more transcripts); c.2174_2175del, p.Ser725fs (NM_001407681.1, NM_001407682.1, NM_001407683.1 and 19 more transcripts); c.671-2202_671-2201del (NM_001408419.1, NM_001408422.1, NM_001408423.1 and 2 more transcripts); c.787+1510_787+1511del (NM_001408403.1, NM_001407983.1, NM_001407975.1 and 17 more transcripts); c.646+1510_646+1511del (NM_001408456.1, NM_001408458.1, NM_001408469.1 and 11 more transcripts); c.643+1510_643+1511del (NM_001408465.1, NM_001408463.1, NM_001408470.1 and 3 more transcripts); c.523+1510_523+1511del (NM_001408499.1, NM_001408498.1, NM_001408501.1 and 3 more transcripts); c.577+1510_577+1511del (NM_001408482.1, NM_001408481.1, NM_001408480.1 and 9 more transcripts); and 41 more; short protein forms S766fs, S719fs, S639fs, S655fs, S695fs, S724fs, S739fs, S763fs.
Identifiers: ClinVar variation 821021 (VCV000821021.5), dbSNP rs1597870909, ClinGen allele CA915950093.
Genomic context (GRCh38, chr17:43,093,232, plus strand): 5'-CCAGTAACGAGATACTTTCCTGAGTGCCATAATCAGTACCAGGTACCAATGAAATACTGC[TAC>T]TCTCTACAGATCTTTCAGTTTGCAAAACCCTTTCTCCACTTAACATGAGATCTTTGGGGT-3'

ClinVar aggregate classification (germline): Pathogenic (1 of 4 stars; one submission).

Conditions:
Hereditary cancer-predisposing syndrome. Also called: Neoplastic Syndromes, Hereditary; Tumor predisposition; Hereditary Cancer Syndrome; Hereditary neoplastic syndrome. Identifiers: Orphanet 140162, MedGen C0027672, MeSH D009386, MONDO:0015356.

Submission:

Ambry Genetics
Classification: Pathogenic for Hereditary cancer-predisposing syndrome. Last evaluated: 2018-01-26. Review status: criteria provided, single submitter. Criteria: Ambry Variant Classification Scheme 2023. Collection method: clinical testing. Allele origin: germline.
Comment: The c.2297_2298delGT pathogenic mutation, located in coding exon 9 of the BRCA1 gene, results from a deletion of two nucleotides at nucleotide positions 2297 to 2298, causing a translational frameshift with a predicted alternate stop codon (p.S766Kfs*10). This alteration is expected to result in loss of function by premature protein truncation or nonsense-mediated mRNA decay. As such, this alteration is interpreted as a disease-causing mutation.